The following is an entry in ClinVar:

ClinVar aggregate classification (germline): Uncertain significance (1 of 4 stars; one submission).

gnomAD v4.1: 1 of 1,613,680 alleles (0.000062%); highest among the groups gnomAD compares: Non-Finnish European, 0.000085%; no homozygotes.

Submission:

GeneDx
Classification: Uncertain significance. Last evaluated: 2024-04-26. Review status: criteria provided, single submitter. Criteria: GeneDx Variant Classification Process June 2021. Collection method: clinical testing. Allele origin: germline. Affected: yes.
Comment: Not observed at significant frequency in large population cohorts (gnomAD); In silico analysis supports that this missense variant has a deleterious effect on protein structure/function; Has not been previously published as pathogenic or benign to our knowledge

NM_007118.4(TRIO):c.6157A>G (p.Arg2053Gly)

Gene: TRIO (trio Rho guanine nucleotide exchange factor; plus strand). Cytogenetic location: 5p15.2.
Variant type: single nucleotide variant.
Coding change: c.6157A>G on transcript NM_007118.4 (MANE Select); coding-DNA position 6157, A replaced by G.
Protein change: p.Arg2053Gly; replaces arginine 2053 with glycine.
Molecular consequence: missense variant. On other transcripts: non-coding transcript variant (1).
Genome position (GRCh38, 1-based): chr5:14,479,264, A>G. VCF-style: chr5-14479264-A-G. GRCh37 (hg19) VCF-style: chr5-14479373-A-G.
Other names: short protein forms R2053G.
Identifiers: ClinVar variation 3373025 (VCV003373025.1).